The following is an entry in ClinVar:

NM_001754.5(RUNX1):c.59-12C>G

Gene: RUNX1 (RUNX family transcription factor 1; minus strand). Cytogenetic location: 21q22.12.
Variant type: single nucleotide variant.
Coding change: c.59-12C>G on transcript NM_001754.5 (MANE Select); 12 bases into the intron before coding-DNA position 59, C replaced by G.
Molecular consequence: intron variant.
Genome position (GRCh38, 1-based): chr21:34,892,975, G>C on the plus strand (C>G on the coding strand, the complement: RUNX1 is on the minus strand). VCF-style: chr21-34892975-G-C. GRCh37 (hg19) VCF-style: chr21-36265272-G-C.
Identifiers: ClinVar variation 898915 (VCV000898915.12), dbSNP rs202245096, ClinGen allele CA320648518.

ClinVar aggregate classification (germline): Likely benign. Review status: reviewed by expert panel (3 of 4 stars). 3 submissions from 3 submitters: Likely benign (1). 2 of the submissions do not count toward it. Last evaluated 2024-07-11.

Conditions:
Hereditary thrombocytopenia and hematologic cancer predisposition syndrome. Identifiers: Orphanet 71290, MedGen CN281654, MONDO:0011071.
Hereditary thrombocytopenia and hematological cancer predisposition syndrome associated with RUNX1. Also called: PLATELET DISORDER, ASPIRIN-LIKE; RUNX1 Familial Platelet Disorder with Associated Myeloid Malignancies; Familial Platelet Disorder with Propensity to Acute Myelogenous Leukemia; Familial thrombocytopenia with propensity to acute myelogenous leukemia. Identifiers: Orphanet 71290, MedGen C1832388, MeSH C563324, MONDO:0100083, OMIM 601399.

Allele frequency attached by ClinVar (database versions not stated): TOPMed 0.00003; gnomAD 0.00004; ESP Exome Variant Server 0.00008.
gnomAD v4.1: 25 of 1,552,344 alleles (0.0016%); highest among the groups gnomAD compares: African/African-American, 0.0041%; no homozygotes.

Submissions (3):

ClinGen Myeloid Malignancy Variant Curation Expert Panel
Classification: Likely benign for Hereditary thrombocytopenia and hematologic cancer predisposition syndrome. Last evaluated: 2024-07-11. Review status: reviewed by expert panel. Criteria: ClinGen MyeloMalig ACMG Specifications v2. Collection method: curation. Allele origin: germline. Inheritance: Autosomal dominant inheritance.
Comment: NM_001754.5(RUNX1): c.59-12C>G is an intronic variant that is located at a nucleotide that is not highly conserved per the PhyloP evolutionary conservation algorithm (BP7). The result from SpliceAI, an in silico splicing predictor, supports that this variant does not affect splicing (BP4). In summary, this variant meets the criteria to be classified as likely benign for hereditary thrombocytopenia and hematologic cancer predisposition syndrome based on the ACMG/AMP criteria applied, as specified by the ClinGen Myeloid Malignancy VCEP: BP4, BP7.

Labcorp Genetics (formerly Invitae), Labcorp
Classification: Likely benign for Hereditary thrombocytopenia and hematological cancer predisposition syndrome associated with RUNX1. Last evaluated: 2025-10-23. Review status: criteria provided, single submitter. Criteria: Invitae Variant Classification Sherloc (09022015). Collection method: clinical testing. Allele origin: germline. Not counted in ClinVar's aggregate classification.

Illumina Laboratory Services, Illumina
Classification: Uncertain significance for Hereditary thrombocytopenia and hematological cancer predisposition syndrome associated with RUNX1. Last evaluated: 2018-01-13. Review status: criteria provided, single submitter. Criteria: ICSL Variant Classification Criteria 13 December 2019. Collection method: clinical testing. Allele origin: germline. Not counted in ClinVar's aggregate classification.